The following is an entry in ClinVar:

NM_005477.3(HCN4):c.*2445C>T

Gene: HCN4 (hyperpolarization activated cyclic nucleotide gated potassium channel 4; minus strand). Cytogenetic location: 15q24.1.
Variant type: single nucleotide variant.
Coding change: c.*2445C>T on transcript NM_005477.3 (MANE Select); 2445 bases downstream of the stop codon, C replaced by T.
Molecular consequence: 3 prime UTR variant.
Genome position (GRCh38, 1-based): chr15:73,320,036, G>A on the plus strand (C>T on the coding strand, the complement: HCN4 is on the minus strand). VCF-style: chr15-73320036-G-A. GRCh37 (hg19) VCF-style: chr15-73612377-G-A.
Identifiers: ClinVar variation 885566 (VCV000885566.5), dbSNP rs524457, ClinGen allele CA15854894.
Genomic context (GRCh38, chr15:73,320,036, plus strand): 5'-TGCACCTGTCTGTCCCAGTCTCTGCAGAGTGGCCAGGTTGGGTCAGAGCTATTATAAAAT[G>A]CATGTGTGTGTAAGTAGAGAAGAGGGTGGTTAGGCCAGGCTCTGATGGCAAGGGGGCTCC-3'

ClinVar aggregate classification (germline): Benign. Review status: criteria provided, multiple submitters, no conflicts (2 of 4 stars). 2 submissions from 2 submitters: Benign (2). Last evaluated 2018-01-13.

Conditions:
Sick sinus syndrome 2, autosomal dominant (SSS2). Also called: ATRIAL FIBRILLATION WITH BRADYARRHYTHMIA; SINUS BRADYCARDIA SYNDROME, FAMILIAL, AUTOSOMAL DOMINANT; SINUS NODE DISEASE, FAMILIAL, AUTOSOMAL DOMINANT; SICK SINUS SYNDROME 2; SICK SINUS SYNDROME 2 WITH OR WITHOUT CARDIAC NONCOMPACTION AND/OR ASCENDING AORTA DILATION. Identifiers: Orphanet 166282, MedGen C1834144, MONDO:0008102, OMIM 163800.

Allele frequency attached by ClinVar (database versions not stated): gnomAD exomes 0.04348; 1000 Genomes Project 0.07907; 1000 Genomes Project 30x 0.08635; TOPMed 0.09713; gnomAD 0.09757 and 0.10289.

Submissions (2):

Illumina Laboratory Services, Illumina
Classification: Benign for Sick sinus syndrome 2, autosomal dominant. Last evaluated: 2018-01-13. Review status: criteria provided, single submitter. Criteria: ICSL Variant Classification Criteria 13 December 2019. Collection method: clinical testing. Allele origin: germline.
Comment: This variant was observed in the ICSL laboratory as part of a predisposition screen in an ostensibly healthy population. It had not been previously curated by ICSL or reported in the Human Gene Mutation Database (HGMD: prior to June 1st, 2018), and was therefore a candidate for classification through an automated scoring system. Utilizing variant allele frequency, disease prevalence and penetrance estimates, and inheritance mode, an automated score was calculated to assess if this variant is too frequent to cause the disease. Based on the score and internal cut-off values, a variant classified as benign is not then subjected to further curation. The score for this variant resulted in a classification of benign for this disease.

Breakthrough Genomics
Classification: Benign. Review status: criteria provided, single submitter. Criteria: ACMG Guidelines, 2015. Collection method: not provided. Allele origin: germline. Inheritance: Autosomal dominant inheritance. Affected: yes.